The following is an entry in ClinVar:

ClinVar aggregate classification (germline): Pathogenic. Review status: criteria provided, multiple submitters, no conflicts (2 of 4 stars). 8 submissions from 8 submitters: Pathogenic (7). 1 of the submissions does not count toward it. Last evaluated 2026-02-11.

Conditions:
Hereditary cancer-predisposing syndrome. Also called: Hereditary Cancer Syndrome; Hereditary neoplastic syndrome; Tumor predisposition; Neoplastic Syndromes, Hereditary. Identifiers: Orphanet 140162, MedGen C0027672, MeSH D009386, MONDO:0015356.
Malignant tumor of urinary bladder. Also called: Bladder cancer; Urinary bladder cancer; Urinary Bladder Neoplasms. Identifiers: MedGen C0005684, MONDO:0001187, OMIM 109800.
Retinoblastoma (RB1). Also called: RETINOBLASTOMA, SOMATIC. Identifiers: Orphanet 790, MedGen C0035335, MeSH D012175, MONDO:0008380, OMIM 180200, HP:0009919. Disease mechanism: loss of function. Inheritance: Both sporadic and heritable forms are tested..

Allele frequency attached by ClinVar (database versions not stated): gnomAD exomes below 0.00001.
gnomAD v4.1: 1 of 1,613,460 alleles (0.000062%); highest among the groups gnomAD compares: Non-Finnish European, 0.000085%; no homozygotes.

Submissions (8):

St. Jude Molecular Pathology, St. Jude Children's Research Hospital
Classification: Pathogenic for Retinoblastoma. Last evaluated: 2026-02-11. Review status: criteria provided, single submitter. Criteria: St. Jude Assertion Criteria 2020. Collection method: clinical testing. Allele origin: germline.
Comment: The RB1 c.1654C>T p.(Arg552Ter) change is a nonsense variant that is predicted to cause premature protein truncation or absence of protein due to nonsense-mediated decay. This variant has been identified in individuals with retinoblastoma (PMID: 7704558, 18661485, 34308366, 24791139, 34294096, 25754945, 27582626, 33456302, 32218800, 34680218, 39303840, internal data). This variant is absent in gnomAD v2.1.1. In summary, this variant meets criteria to be classified as pathogenic.

Ambry Genetics
Classification: Pathogenic for Hereditary cancer-predisposing syndrome. Last evaluated: 2024-11-22. Review status: criteria provided, single submitter. Criteria: Ambry Variant Classification Scheme 2023. Collection method: clinical testing. Allele origin: germline.
Comment: The p.R552* pathogenic mutation (also known as c.1654C>T), located in coding exon 17 of the RB1 gene, results from a C to T substitution at nucleotide position 1654. This changes the amino acid from an arginine to a stop codon within coding exon 17. This alteration, often designated as "R552X" in published literature, has been detected in the germline of multiple patients diagnosed with bilateral retinoblastoma, and has been confirmed as a somatic mutation in RB tumor DNA in other patients (Braggio E et al. J Clin Pathol. 2004 Jun;57(6):585-90; Richter S et al. Am J Hum Genet. 2003 Feb;72(2):253-69; He MY et al. Mol Vis. 2014 Apr 25;20:545-52). In addition to the clinical data presented in the literature, this alteration is expected to result in loss of function by premature protein truncation or nonsense-mediated mRNA decay. As such, this alteration is interpreted as a disease-causing mutation.

Labcorp Genetics (formerly Invitae), Labcorp
Classification: Pathogenic for Retinoblastoma. Last evaluated: 2024-08-08. Review status: criteria provided, single submitter. Criteria: Invitae Variant Classification Sherloc (09022015). Collection method: clinical testing. Allele origin: germline.
Comment: This sequence change creates a premature translational stop signal (p.Arg552*) in the RB1 gene. It is expected to result in an absent or disrupted protein product. Loss-of-function variants in RB1 are known to be pathogenic (PMID: 17096365). This variant is not present in population databases (gnomAD no frequency). This premature translational stop signal has been observed in individual(s) with retinoblastoma (PMID: 7704558, 22219649, 24791139, 25754945, 27582626). ClinVar contains an entry for this variant (Variation ID: 126840). For these reasons, this variant has been classified as Pathogenic.

Genetic Diagnostic Laboratory, University of Pennsylvania School of Medicine
Classification: Pathogenic for Retinoblastoma. Last evaluated: 2024-05-20. Review status: criteria provided, single submitter. Criteria: ACMG Guidelines, 2015. Collection method: clinical testing. Allele origin: germline. Affected: yes. Observed: 10 variant alleles.
Comment: Case and Pedigree Information: BILATERAL CASES:6, UNILATERAL CASES:4, TOTAL CASES:10, PEDIGREES:10. ACMG Codes Applied:PVS1, PM2, PS4M

GeneDx
Classification: Pathogenic. Last evaluated: 2024-05-01. Review status: criteria provided, single submitter. Criteria: GeneDx Variant Classification Process June 2021. Collection method: clinical testing. Allele origin: germline. Affected: yes.
Comment: Nonsense variant predicted to result in protein truncation or nonsense mediated decay in a gene for which loss of function is a known mechanism of disease; Not observed at significant frequency in large population cohorts (gnomAD); This variant is associated with the following publications: (PMID: 25525159, 7704558, 19280657, 15166261, 34308366, 31772335, 25157968, 37658463, 32434110, 24791139, 27582626, 28873162, 37548407, 34680218, 32835838, Moghadam2022[article], 34645364, 25754945, 34294096, 33466343, 16343894, 33456302, 9311732, 12541220, 22219649, 28575107)

Swedish National ChiCaP Initative, Genomic Medicine Sweden
Classification: Pathogenic for Retinoblastoma. Last evaluated: 2024-05-01. Review status: criteria provided, single submitter. Criteria: ACMG Guidelines, 2015. Collection method: clinical testing. Allele origin: somatic. Affected: yes.

Department of Pediatrics, Memorial Sloan Kettering Cancer Center
Classification: Pathogenic for Retinoblastoma. Last evaluated: 2020-12-15. Review status: criteria provided, single submitter. Criteria: ACMG Guidelines, 2015. Collection method: research. Allele origin: germline. Affected: yes.

Laboratory of Urology, Hospital Clinic de Barcelona
Classification: Pathogenic for Malignant tumor of urinary bladder. Review status: no assertion criteria provided. Collection method: research. Allele origin: somatic. Affected: yes. Not counted in ClinVar's aggregate classification.

Literature cited by the submitters: PubMed 17096365 (cited by Labcorp Genetics (formerly Invitae), Labcorp); PubMed 7704558 (cited by Labcorp Genetics (formerly Invitae), Labcorp); PubMed 22219649 (cited by Labcorp Genetics (formerly Invitae), Labcorp); PubMed 24791139 (cited by Labcorp Genetics (formerly Invitae), Labcorp); PubMed 25754945 (cited by Labcorp Genetics (formerly Invitae), Labcorp); PubMed 27582626 (cited by Labcorp Genetics (formerly Invitae), Labcorp); PubMed 28873162 (cited by Department of Pediatrics, Memorial Sloan Kettering Cancer Center).

NM_000321.3(RB1):c.1654C>T (p.Arg552Ter)

Gene: RB1 (RB transcriptional corepressor 1; plus strand). Cytogenetic location: 13q14.2.
Variant type: single nucleotide variant.
Coding change: c.1654C>T on transcript NM_000321.3 (MANE Select); coding-DNA position 1654, C replaced by T.
Protein change: p.Arg552Ter; replaces arginine 552 with a stop codon.
Molecular consequence: nonsense.
Genome position (GRCh38, 1-based): chr13:48,381,402, C>T. VCF-style: chr13-48381402-C-T. GRCh37 (hg19) VCF-style: chr13-48955538-C-T.
Other names: L11910:g.78238C>T; short protein forms R552*.
Identifiers: ClinVar variation 126840 (VCV000126840.23), dbSNP rs121913303, ClinGen allele CA026383.